The following is an entry in ClinVar:

ClinVar aggregate classification (germline): Benign/Likely benign. Review status: criteria provided, multiple submitters, no conflicts (2 of 4 stars). 18 submissions from 17 submitters: Benign (13); Likely benign (1). 4 of the submissions do not count toward it. Last evaluated 2026-02-04.

Conditions:
RYR1-related disorder. Also called: RYR1-related condition; RYR1-related disorders. Identifiers: MedGen CN239331.
Congenital multicore myopathy with external ophthalmoplegia (CMYO1B). Also called: Minicore myopathy with external ophthalmoplegia; MULTICORE MYOPATHY; Congenital myopathy 1B, autosomal recessive; Minicore myopathy; MULTIMINICORE DISEASE WITH EXTERNAL OPHTHALMOPLEGIA. Identifiers: Orphanet 598, Orphanet 98905, MedGen C1850674, MONDO:0009712, OMIM 255320, HP:0003789.
Malignant hyperthermia, susceptibility to, 1 (MHS1). Also called: RYR1-Related Malignant Hyperthermia Susceptibility; Anesthesia related hyperthermia; Malignant hyperpyrexia; Fulminating hyperpyrexia; Pharmacogenic myopathy; Malignant hyperthermia suceptibility 1. Identifiers: Orphanet 423, MedGen C2930980, MONDO:0007783, OMIM 145600.

Allele frequency attached by ClinVar (database versions not stated): 1000 Genomes Project 0.00819; TOPMed 0.01322; gnomAD 0.01571 and 0.01592; gnomAD exomes 0.01961 and 0.01681; ESP Exome Variant Server 0.01569; ExAC 0.01680; 1000 Genomes Project 30x 0.00828.
gnomAD v4.1: 30,835 of 1,613,838 alleles (1.9%); highest among the groups gnomAD compares: Middle Eastern, 2.2%; 361 homozygotes.

Submissions (18):

Labcorp Genetics (formerly Invitae), Labcorp
Classification: Benign for RYR1-related disorder. Last evaluated: 2026-02-04. Review status: criteria provided, single submitter. Criteria: Invitae Variant Classification Sherloc (09022015). Collection method: clinical testing. Allele origin: germline.

Dasa
Classification: Benign. Last evaluated: 2025-12-14. Review status: criteria provided, single submitter. Criteria: DASA Assertion Criteria. Collection method: clinical testing. Allele origin: germline.
Comment: NM_000540.3(RYR1):c.11547G>A (p.Gln3849=) is a synonymous variant predicted not to alter the encoded amino acid sequence. Population frequency is inconsistent with a disease-causing role for this variant, observations in unaffected individuals support a benign interpretation, and the variant context is inconsistent with a known disease-causing mechanism. Therefore, based on the currently available evidence, this variant is classified as benign.

Athena Diagnostics
Classification: Benign. Last evaluated: 2024-10-22. Review status: criteria provided, single submitter. Criteria: Athena Diagnostics Criteria. Collection method: clinical testing. Allele origin: unknown.

All of Us Research Program, National Institutes of Health
Classification: Benign for Malignant hyperthermia, susceptibility to, 1. Last evaluated: 2024-10-01. Review status: criteria provided, single submitter. Criteria: ACMG Guidelines, 2015. Collection method: clinical testing. Allele origin: germline. Inheritance: Autosomal dominant inheritance. Observed: 5,260 variant alleles, 5,198 heterozygotes, 61 homozygotes, 1 hemizygote.
Comment: This study involves interpretation of variants in research participants for the purpose of population health screening. Participant phenotype was not available at the time of variant classification. Additional details can be found in publication PMID: 35346344, PMCID: PMC8962531

ARUP Laboratories, Molecular Genetics and Genomics, ARUP Laboratories
Classification: Benign. Last evaluated: 2023-09-20. Review status: criteria provided, single submitter. Criteria: ARUP Molecular Germline Variant Investigation Process 2024. Collection method: clinical testing. Allele origin: germline.

Color Diagnostics, LLC DBA Color Health
Classification: Benign for Malignant hyperthermia, susceptibility to, 1. Last evaluated: 2019-03-29. Review status: criteria provided, single submitter. Criteria: ACMG Guidelines, 2015. Collection method: clinical testing. Allele origin: germline.

PreventionGenetics, part of Exact Sciences
Classification: Benign. Last evaluated: 2018-03-12. Review status: criteria provided, single submitter. Criteria: ACMG Guidelines, 2015. Collection method: clinical testing. Allele origin: germline.

Mayo Clinic Laboratories, Mayo Clinic
Classification: Benign. Last evaluated: 2018-02-19. Review status: criteria provided, single submitter. Criteria: ACMG Guidelines, 2015. Collection method: clinical testing. Allele origin: germline. Observed: 22 variant alleles.

Illumina Laboratory Services, Illumina
Classification: Benign for Malignant hyperthermia, susceptibility to, 1. Last evaluated: 2018-01-13. Review status: criteria provided, single submitter. Criteria: ICSL Variant Classification Criteria 13 December 2019. Collection method: clinical testing. Allele origin: germline.
Comment: This variant was observed in the ICSL laboratory as part of a predisposition screen in an ostensibly healthy population. It had not been previously curated by ICSL or reported in the Human Gene Mutation Database (HGMD: prior to June 1st, 2018), and was therefore a candidate for classification through an automated scoring system. Utilizing variant allele frequency, disease prevalence and penetrance estimates, and inheritance mode, an automated score was calculated to assess if this variant is too frequent to cause the disease. Based on the score and internal cut-off values, a variant classified as benign is not then subjected to further curation. The score for this variant resulted in a classification of benign for this disease.

Illumina Laboratory Services, Illumina
Classification: Benign for Congenital multicore myopathy with external ophthalmoplegia. Last evaluated: 2018-01-13. Review status: criteria provided, single submitter. Criteria: ICSL Variant Classification Criteria 13 December 2019. Collection method: clinical testing. Allele origin: germline.
Comment: the same text as in the submission from Illumina Laboratory Services, Illumina above.

GeneDx
Classification: Benign. Last evaluated: 2016-01-12. Review status: criteria provided, single submitter. Criteria: GeneDx Variant Classification (06012015). Collection method: clinical testing. Allele origin: germline. Affected: yes.
Comment: This variant is considered likely benign or benign based on one or more of the following criteria: it is a conservative change, it occurs at a poorly conserved position in the protein, it is predicted to be benign by multiple in silico algorithms, and/or has population frequency not consistent with disease.

Laboratory for Molecular Medicine, Mass General Brigham Personalized Medicine
Classification: Benign. Last evaluated: 2015-01-13. Review status: criteria provided, single submitter. Criteria: LMM Criteria. Collection method: clinical testing. Allele origin: germline. Observed: 1 variant allele.
Comment: p.Gln3849Gln in exon 82 of RYR1: This variant is not expected to have clinical s ignificance because it does not alter an amino acid residue and is not located w ithin the splice consensus sequence. It has been identified in 2.1% (181/8600) o f European American chromosomes from a broad population by the NHLBI Exome Seque ncing Project (dbSNP rs142518033).

Genetic Services Laboratory, University of Chicago
Classification: Benign. Last evaluated: 2013-02-08. Review status: criteria provided, single submitter. Criteria: ACMG Guidelines, 2007. Collection method: clinical testing. Allele origin: germline. Inheritance: Autosomal unknown.

Breakthrough Genomics
Classification: Likely benign. Review status: criteria provided, single submitter. Criteria: ACMG Guidelines, 2015. Collection method: not provided. Allele origin: germline. Inheritance: Autosomal recessive inheritance. Affected: yes.

Clinical Genetics, Academic Medical Center
Classification: Likely benign. Review status: no assertion criteria provided. Collection method: clinical testing. Allele origin: germline. Affected: yes. Study: VKGL Data-share Consensus. Not counted in ClinVar's aggregate classification.

Joint Genome Diagnostic Labs from Nijmegen and Maastricht, Radboudumc and MUMC+
Classification: Benign. Review status: no assertion criteria provided. Collection method: clinical testing. Allele origin: germline. Affected: yes. Study: VKGL Data-share Consensus. Not counted in ClinVar's aggregate classification.

Laboratory of Diagnostic Genome Analysis, Leiden University Medical Center (LUMC)
Classification: Likely benign. Review status: no assertion criteria provided. Collection method: clinical testing. Allele origin: germline. Affected: yes. Study: VKGL Data-share Consensus. Not counted in ClinVar's aggregate classification.

RYR1 database
No classification provided. Review status: no classification provided. Collection method: not provided. Allele origin: unknown. Not counted in ClinVar's aggregate classification.

Literature cited by the submitters: PubMed 30325262 (cited by Athena Diagnostics); PubMed 32236737 (cited by Athena Diagnostics); PubMed 22473935 (cited by Athena Diagnostics); PubMed 24195946 (cited by Athena Diagnostics); PubMed 16917943 (cited by Athena Diagnostics).

NM_000540.3(RYR1):c.11547G>A (p.Gln3849=)

Gene: RYR1 (ryanodine receptor 1; plus strand). Cytogenetic location: 19q13.2.
Variant type: single nucleotide variant.
Coding change: c.11547G>A on transcript NM_000540.3 (MANE Select); coding-DNA position 11547, G replaced by A.
Protein change: p.Gln3849=; no amino-acid change (glutamine 3849 retained).
Molecular consequence: synonymous variant.
Genome position (GRCh38, 1-based): chr19:38,536,027, G>A. VCF-style: chr19-38536027-G-A. GRCh37 (hg19) VCF-style: chr19-39026667-G-A.
Other names: p.Gln3849=; c.11532G>A, p.Gln3844= (NM_001042723.2).
Identifiers: ClinVar variation 133014 (VCV000133014.42), dbSNP rs142518033, ClinGen allele CA023916.
Genomic context (GRCh38, chr19:38,536,027, plus strand): 5'-TACCCCCTATCTTTCCTTTCTTTTCCTCAGCGTCCTGGATCTCAATGCCTTTGAGAGACA[G>A]AACAAGGCCGAGGGGCTGGGCATGGTGAATGAGGATGGCACTGGTGAGGCCCTCCCTTGG-3'
Protein context (NP_000531.2, residues 3839-3859): SVLDLNAFER[Gln3849=]NKAEGLGMVN